The following is an entry in ClinVar:

ClinVar aggregate classification (germline): Pathogenic. Review status: criteria provided, single submitter (1 of 4 stars). 2 submissions from 2 submitters: Pathogenic (1). 1 of the submissions does not count toward it. Last evaluated 2024-05-22.

Conditions:
IFT172-related disorder. Also called: IFT172-related disorders; IFT172-related condition.
Short-rib thoracic dysplasia 10 with or without polydactyly (SRTD10). Identifiers: Orphanet 474, MedGen C3810175, MONDO:0014284, OMIM 615630.
Retinitis pigmentosa 71 (RP71). Identifiers: Orphanet 791, MedGen C4225342, MONDO:0014618, OMIM 616394.

gnomAD v4.1: 1 of 1,614,074 alleles (0.000062%); highest among the groups gnomAD compares: Admixed American, 0.0017%; no homozygotes.

Submissions (2):

Labcorp Genetics (formerly Invitae), Labcorp
Classification: Pathogenic for Retinitis pigmentosa 71; Short-rib thoracic dysplasia 10 with or without polydactyly. Last evaluated: 2024-05-22. Review status: criteria provided, single submitter. Criteria: Invitae Variant Classification Sherloc (09022015). Collection method: clinical testing. Allele origin: germline.
Comment: This sequence change creates a premature translational stop signal (p.Trp746*) in the IFT172 gene. It is expected to result in an absent or disrupted protein product. Loss-of-function variants in IFT172 are known to be pathogenic (PMID: 24140113). This variant is present in population databases (no rsID available, gnomAD 0.003%). This variant has not been reported in the literature in individuals affected with IFT172-related conditions. For these reasons, this variant has been classified as Pathogenic.

PreventionGenetics, part of Exact Sciences
Classification: Likely pathogenic for IFT172-related condition. Last evaluated: 2024-09-04. Review status: no assertion criteria provided. Collection method: clinical testing. Allele origin: germline. Not counted in ClinVar's aggregate classification.
Comment: The IFT172 c.2237G>A variant is predicted to result in premature protein termination (p.Trp746*). To our knowledge, this variant has not been reported in individuals with IFT172-related disease in the literature. This variant is reported in 0.0029% of alleles in individuals of Latino descent in gnomAD. Nonsense variants in IFT172 are expected to be pathogenic. This variant is interpreted as likely pathogenic.

Literature cited by the submitters: PubMed 24140113 (cited by Labcorp Genetics (formerly Invitae), Labcorp).

NM_015662.3(IFT172):c.2237G>A (p.Trp746Ter)

Gene: IFT172 (intraflagellar transport 172; minus strand). Cytogenetic location: 2p23.3.
Variant type: single nucleotide variant.
Coding change: c.2237G>A on transcript NM_015662.3 (MANE Select); coding-DNA position 2237, G replaced by A.
Protein change: p.Trp746Ter; replaces tryptophan 746 with a stop codon.
Molecular consequence: nonsense.
Genome position (GRCh38, 1-based): chr2:27,461,474, C>T on the plus strand (G>A on the coding strand, the complement: IFT172 is on the minus strand). VCF-style: chr2-27461474-C-T. GRCh37 (hg19) VCF-style: chr2-27684341-C-T.
Other names: c.2171G>A, p.Trp724Ter (NM_001410739.1); short protein forms W724*, W746*.
Identifiers: ClinVar variation 3353324 (VCV003353324.3).